The following is an entry in ClinVar:

ClinVar aggregate classification (germline): Uncertain significance. Review status: criteria provided, multiple submitters, no conflicts (2 of 4 stars). 3 submissions from 3 submitters: Uncertain significance (2). 1 of the submissions does not count toward it. Last evaluated 2021-09-01.

Conditions:
Walker-Warburg congenital muscular dystrophy. Also called: Muscular dystrophy-dystroglycanopathy, type A; Walker-Warburg syndrome. Identifiers: Orphanet 899, MedGen C0265221, MONDO:0000171.
Autosomal recessive limb-girdle muscular dystrophy type 2I. Also called: MUSCULAR DYSTROPHY-DYSTROGLYCANOPATHY (LIMB-GIRDLE), TYPE C, 5; MUSCULAR DYSTROPHY-DYSTROGLYCANOPATHY, LIMB-GIRDLE, FRKP-RELATED; MUSCULAR DYSTROPHY, LIMB-GIRDLE, TYPE 2I. Identifiers: Orphanet 34515, MedGen C1846672, MONDO:0011787, OMIM 607155.

Submissions (3):

Labcorp Genetics (formerly Invitae), Labcorp
Classification: Uncertain significance for Walker-Warburg congenital muscular dystrophy. Last evaluated: 2021-09-01. Review status: criteria provided, single submitter. Criteria: Invitae Variant Classification Sherloc (09022015). Collection method: clinical testing. Allele origin: germline.
Comment: This sequence change replaces glutamine with arginine at codon 28 of the FKRP protein (p.Gln28Arg). The glutamine residue is moderately conserved and there is a small physicochemical difference between glutamine and arginine. This variant is not present in population databases (ExAC no frequency). This variant has not been reported in the literature in individuals affected with FKRP-related conditions. Algorithms developed to predict the effect of missense changes on protein structure and function (SIFT, PolyPhen-2, Align-GVGD) all suggest that this variant is likely to be tolerated. In summary, the available evidence is currently insufficient to determine the role of this variant in disease. Therefore, it has been classified as a Variant of Uncertain Significance.

Revvity Omics, Revvity
Classification: Uncertain significance. Last evaluated: 2020-02-13. Review status: criteria provided, single submitter. Criteria: ACMG Guidelines, 2015. Collection method: clinical testing. Allele origin: germline.

Natera, Inc.
Classification: Uncertain significance for Limb-girdle muscular dystrophy type 2I. Last evaluated: 2021-08-13. Review status: no assertion criteria provided. Collection method: clinical testing. Allele origin: germline. Not counted in ClinVar's aggregate classification.

NM_024301.5(FKRP):c.83A>G (p.Gln28Arg)

Gene: FKRP (fukutin related protein; plus strand). Cytogenetic location: 19q13.32.
Variant type: single nucleotide variant.
Coding change: c.83A>G on transcript NM_024301.5 (MANE Select); coding-DNA position 83, A replaced by G.
Protein change: p.Gln28Arg; replaces glutamine 28 with arginine.
Molecular consequence: missense variant.
Genome position (GRCh38, 1-based): chr19:46,755,533, A>G. VCF-style: chr19-46755533-A-G. GRCh37 (hg19) VCF-style: chr19-47258790-A-G.
Other names: c.83A>G, p.Gln28Arg (NM_001039885.3); short protein forms Q28R.
Identifiers: ClinVar variation 966674 (VCV000966674.9), dbSNP rs756205019, ClinGen allele CA406494631.